The following is an entry in ClinVar:

NM_025132.4(WDR19):c.2428G>T (p.Asp810Tyr)

Gene: WDR19 (WD repeat domain 19; plus strand). Cytogenetic location: 4p14.
Variant type: single nucleotide variant.
Coding change: c.2428G>T on transcript NM_025132.4 (MANE Select); coding-DNA position 2428, G replaced by T.
Protein change: p.Asp810Tyr; replaces aspartic acid 810 with tyrosine.
Molecular consequence: missense variant.
Genome position (GRCh38, 1-based): chr4:39,244,254, G>T. VCF-style: chr4-39244254-G-T. GRCh37 (hg19) VCF-style: chr4-39245874-G-T.
Other names: c.1948G>T, p.Asp650Tyr (NM_001317924.2); short protein forms D650Y, D810Y.
Identifiers: ClinVar variation 1051965 (VCV001051965.8), dbSNP rs1168307194, ClinGen allele CA356637252.

ClinVar aggregate classification (germline): Uncertain significance (1 of 4 stars; one submission).

Conditions:
Asphyxiating thoracic dystrophy 5 (SRTD5). Also called: SHORT-RIB THORACIC DYSPLASIA 5 WITH OR WITHOUT POLYDACTYLY; SHORT-RIB THORACIC DYSPLASIA 5 WITHOUT POLYDACTYLY. Identifiers: Orphanet 474, MedGen C3280598, MONDO:0013717, OMIM 614376.
Senior-Loken syndrome 8 (SLSN8). Identifiers: Orphanet 3156, MedGen C4225376, MONDO:0014579, OMIM 616307.

Allele frequency attached by ClinVar (database versions not stated): TOPMed below 0.00001; gnomAD exomes 0.00002.
gnomAD v4.1: 26 of 1,610,864 alleles (0.0016%); highest among the groups gnomAD compares: Non-Finnish European, 0.0021%; no homozygotes.

Submission:

Labcorp Genetics (formerly Invitae), Labcorp
Classification: Uncertain significance for Senior-Loken syndrome 8; Asphyxiating thoracic dystrophy 5. Last evaluated: 2022-02-24. Review status: criteria provided, single submitter. Criteria: Invitae Variant Classification Sherloc (09022015). Collection method: clinical testing. Allele origin: germline.
Comment: Algorithms developed to predict the effect of missense changes on protein structure and function (SIFT, PolyPhen-2, Align-GVGD) all suggest that this variant is likely to be tolerated. In summary, the available evidence is currently insufficient to determine the role of this variant in disease. Therefore, it has been classified as a Variant of Uncertain Significance. ClinVar contains an entry for this variant (Variation ID: 1051965). This variant has not been reported in the literature in individuals affected with WDR19-related conditions. This variant is not present in population databases (gnomAD no frequency). This sequence change replaces aspartic acid, which is acidic and polar, with tyrosine, which is neutral and polar, at codon 810 of the WDR19 protein (p.Asp810Tyr).